The following is an entry in ClinVar:

ClinVar aggregate classification (germline): Pathogenic. Review status: criteria provided, multiple submitters, no conflicts (2 of 4 stars). 2 submissions from 2 submitters: Pathogenic (2). Last evaluated 2025-12-17.

Conditions:
RP1-related disorder. Also called: RP1-related condition.

Allele frequency attached by ClinVar (database versions not stated): TOPMed below 0.00001.
gnomAD v4.1: 3 of 1,608,514 alleles (0.00019%); highest among the groups gnomAD compares: Admixed American, 0.0017%; no homozygotes.

Submissions (2):

PreventionGenetics, part of Exact Sciences
Classification: Pathogenic for RP1-related condition. Last evaluated: 2025-12-17. Review status: criteria provided, single submitter. Criteria: ACMG Guidelines, 2015. Collection method: clinical testing. Allele origin: germline.
Comment: The RP1 c.5881C>T variant is predicted to result in premature protein termination (p.Gln1961*). This variant has been reported in the compound heterozygous state in individuals from two families with autosomal recessive retinitis pigmentosa (Bravo-Gil et al. 2017. PubMed ID: 28157192; Riera et al. 2019. PubMed ID: 31079053). This variant is reported in 0.00089% of alleles in individuals of European (Non-Finnish) descent in gnomAD. Nonsense variants in RP1 are expected to be pathogenic. This variant is interpreted as pathogenic.

Labcorp Genetics (formerly Invitae), Labcorp
Classification: Pathogenic. Last evaluated: 2022-10-25. Review status: criteria provided, single submitter. Criteria: Invitae Variant Classification Sherloc (09022015). Collection method: clinical testing. Allele origin: germline.
Comment: For these reasons, this variant has been classified as Pathogenic. This variant disrupts the C-terminus of the RP1 protein. Many variants that disrupt this region have been reported in individuals with either autosomal dominant or autosomal recessive retinitis pigmentosa (PMID: 11527933, 19933189, 29425069, 30027431, 33681214). Therefore, variants that disrupt this region are expected to be disease-causing. ClinVar contains an entry for this variant (Variation ID: 1455158). This premature translational stop signal has been observed in individual(s) with autosomal recessive retinitis pigmentosa (PMID: 28157192, 31079053). In at least one individual the data is consistent with being in trans (on the opposite chromosome) from a pathogenic variant. This variant is present in population databases (rs766518936, gnomAD 0.0009%). This sequence change creates a premature translational stop signal (p.Gln1961*) in the RP1 gene. While this is not anticipated to result in nonsense mediated decay, it is expected to disrupt the last 196 amino acid(s) of the RP1 protein.

Literature cited by the submitters: PubMed 11527933 (cited by Labcorp Genetics (formerly Invitae), Labcorp); PubMed 19933189 (cited by Labcorp Genetics (formerly Invitae), Labcorp); PubMed 29425069 (cited by Labcorp Genetics (formerly Invitae), Labcorp); PubMed 30027431 (cited by Labcorp Genetics (formerly Invitae), Labcorp); PubMed 33681214 (cited by Labcorp Genetics (formerly Invitae), Labcorp); PubMed 28157192 (cited by Labcorp Genetics (formerly Invitae), Labcorp); PubMed 31079053 (cited by Labcorp Genetics (formerly Invitae), Labcorp).

NM_006269.2(RP1):c.5881C>T (p.Gln1961Ter)

Genes: RP1 (RP1 axonemal microtubule associated; plus strand), LOC126860392 (CDK7 strongly-dependent group 2 enhancer GRCh37_chr8:55541319-55542518; plus strand). Cytogenetic location: 8q12.1.
Variant type: single nucleotide variant.
Coding change: c.5881C>T on transcript NM_006269.2 (MANE Select); coding-DNA position 5881, C replaced by T.
Protein change: p.Gln1961Ter; replaces glutamine 1961 with a stop codon.
Molecular consequence: nonsense. On other transcripts: intron variant (1).
Genome position (GRCh38, 1-based): chr8:54,629,763, C>T. VCF-style: chr8-54629763-C-T. GRCh37 (hg19) VCF-style: chr8-55542323-C-T.
Other names: c.787+7475C>T (NM_001375654.1); c.5881C>T (NM_006269.1); short protein forms Q1961*.
Identifiers: ClinVar variation 1455158 (VCV001455158.9), dbSNP rs766518936, ClinGen allele CA4752145.